The following is an entry in ClinVar:

NC_000005.10:g.112707381C>G

Gene: APC (APC regulator of Wnt signaling pathway; plus strand). Cytogenetic location: 5q22.2.
Variant type: single nucleotide variant.
Genome position: GRCh38 VCF-style: chr5-112707381-C-G. GRCh37 (hg19) VCF-style: chr5-112043078-C-G.
Identifiers: ClinVar variation 1482964 (VCV001482964.6), dbSNP rs2149628308, ClinGen allele CA2573138745.

ClinVar aggregate classification (germline): Uncertain significance (1 of 4 stars; one submission).

Conditions:
Familial adenomatous polyposis 1 (FAP1). Also called: FAMILIAL ADENOMATOUS POLYPOSIS 1, ATTENUATED; POLYPOSIS, ADENOMATOUS INTESTINAL. Identifiers: MedGen C2713442, MONDO:0021056, OMIM 175100. Disease mechanism: loss of function.

Submission:

Labcorp Genetics (formerly Invitae), Labcorp
Classification: Uncertain significance for Familial adenomatous polyposis 1. Last evaluated: 2020-11-10. Review status: criteria provided, single submitter. Criteria: Invitae Variant Classification Sherloc (09022015). Collection method: clinical testing. Allele origin: germline.
Comment: The frequency data for this variant in the population databases is considered unreliable, as metrics indicate insufficient coverage at this position in the ExAC database. This variant occurs in a non-coding region of the APC gene. It does not change the encoded amino acid sequence of the APC protein. This variant has not been reported in the literature in individuals with APC-related conditions. Experimental studies and prediction algorithms are not available or were not evaluated, and the functional significance of this variant is currently unknown. In summary, the available evidence is currently insufficient to determine the role of this variant in disease. Therefore, it has been classified as a Variant of Uncertain Significance.